The following is an entry in ClinVar:

NM_000170.3(GLDC):c.544A>G (p.Met182Val)

Gene: GLDC (glycine decarboxylase; minus strand). Cytogenetic location: 9p24.1.
Variant type: single nucleotide variant.
Coding change: c.544A>G on transcript NM_000170.3 (MANE Select); coding-DNA position 544, A replaced by G.
Protein change: p.Met182Val; replaces methionine 182 with valine.
Molecular consequence: missense variant.
Genome position (GRCh38, 1-based): chr9:6,610,283, T>C on the plus strand (A>G on the coding strand, the complement: GLDC is on the minus strand). VCF-style: chr9-6610283-T-C. GRCh37 (hg19) VCF-style: chr9-6610283-T-C.
Other names: short protein forms M182V.
Identifiers: ClinVar variation 462886 (VCV000462886.13), dbSNP rs541691467, ClinGen allele CA4981096.
Genomic context (GRCh38, chr9:6,610,283, plus strand): 5'-CAGTCCCCTCATCCAGCAGGGATGCATTGGCCATGTCCAGGCCTGTGATGTCACACACCA[T>C]GGTCTGGTAGTTGAGTAAACTCTCCAGCCTCCCCTGAGACACCTCAGGCTGGTATGGAGT-3'
Protein context (NP_000161.2, residues 172-192): RLESLLNYQT[Met182Val]VCDITGLDMA

ClinVar aggregate classification (germline): Uncertain significance. Review status: criteria provided, multiple submitters, no conflicts (2 of 4 stars). 4 submissions from 4 submitters: Uncertain significance (3). 1 of the submissions does not count toward it. Last evaluated 2022-09-12.

Conditions:
Glycine encephalopathy 1 (GCE1). Identifiers: MedGen CN376801, MONDO:0958179, OMIM 605899.
Glycine encephalopathy. Also called: Nonketotic hyperglycinemia; Non-ketotic hyperglycinemia. Identifiers: Orphanet 407, MedGen C0751748, MONDO:0011612, HP:0008288.

Allele frequency attached by ClinVar (database versions not stated): gnomAD 0.00001 and 0.00003; gnomAD exomes 0.00001; TOPMed 0.00002; ExAC 0.00003; 1000 Genomes Project 30x 0.00016; 1000 Genomes Project 0.00020.

Submissions (4):

Labcorp Genetics (formerly Invitae), Labcorp
Classification: Uncertain significance for Glycine encephalopathy. Last evaluated: 2022-09-12. Review status: criteria provided, single submitter. Criteria: Invitae Variant Classification Sherloc (09022015). Collection method: clinical testing. Allele origin: germline.
Comment: This sequence change replaces methionine, which is neutral and non-polar, with valine, which is neutral and non-polar, at codon 182 of the GLDC protein (p.Met182Val). This variant is present in population databases (rs541691467, gnomAD 0.02%). This variant has not been reported in the literature in individuals affected with GLDC-related conditions. ClinVar contains an entry for this variant (Variation ID: 462886). Advanced modeling of protein sequence and biophysical properties (such as structural, functional, and spatial information, amino acid conservation, physicochemical variation, residue mobility, and thermodynamic stability) performed at Invitae indicates that this missense variant is not expected to disrupt GLDC protein function. In summary, the available evidence is currently insufficient to determine the role of this variant in disease. Therefore, it has been classified as a Variant of Uncertain Significance.

GeneDx
Classification: Uncertain significance. Last evaluated: 2019-12-02. Review status: criteria provided, single submitter. Criteria: GeneDx Variant Classification Process June 2021. Collection method: clinical testing. Allele origin: germline. Affected: yes.
Comment: In silico analysis, which includes protein predictors and evolutionary conservation, supports a deleterious effect; Has not been previously published as pathogenic or benign to our knowledge

Juno Genomics, Hangzhou Juno Genomics, Inc
Classification: Uncertain significance for Glycine encephalopathy 1. Review status: criteria provided, single submitter. Criteria: ACMG Guidelines, 2015. Collection method: clinical testing. Allele origin: germline.
Comment: Absent from controls (or at extremely low frequency if recessive) in Genome Aggregation Database.;Multiple lines of computational evidence support a deleterious effect on the gene or gene product.

Natera, Inc.
Classification: Uncertain significance for Non-ketotic hyperglycinemia. Last evaluated: 2020-03-02. Review status: no assertion criteria provided. Collection method: clinical testing. Allele origin: germline. Not counted in ClinVar's aggregate classification.